The following is an entry in ClinVar:

NM_007348.4(ATF6):c.1468C>T (p.His490Tyr)

Gene: ATF6 (activating transcription factor 6; plus strand). Cytogenetic location: 1q23.3.
Variant type: single nucleotide variant.
Coding change: c.1468C>T on transcript NM_007348.4 (MANE Select); coding-DNA position 1468, C replaced by T.
Protein change: p.His490Tyr; replaces histidine 490 with tyrosine.
Molecular consequence: missense variant.
Genome position (GRCh38, 1-based): chr1:161,853,258, C>T. VCF-style: chr1-161853258-C-T. GRCh37 (hg19) VCF-style: chr1-161823048-C-T.
Other names: c.1468C>T, p.His490Tyr (NM_001410890.1); short protein forms H490Y.
Identifiers: ClinVar variation 2012491 (VCV002012491.4), dbSNP rs2525344332, ClinGen allele CA343380964.

ClinVar aggregate classification (germline): Uncertain significance (1 of 4 stars; one submission).

Allele frequency attached by ClinVar (database versions not stated): gnomAD exomes 0.00001.
gnomAD v4.1: 8 of 1,613,320 alleles (0.0005%); highest among the groups gnomAD compares: Non-Finnish European, 0.00068%; no homozygotes.

Submission:

Labcorp Genetics (formerly Invitae), Labcorp
Classification: Uncertain significance. Last evaluated: 2022-11-03. Review status: criteria provided, single submitter. Criteria: Invitae Variant Classification Sherloc (09022015). Collection method: clinical testing. Allele origin: germline.
Comment: In summary, the available evidence is currently insufficient to determine the role of this variant in disease. Therefore, it has been classified as a Variant of Uncertain Significance. Advanced modeling of protein sequence and biophysical properties (such as structural, functional, and spatial information, amino acid conservation, physicochemical variation, residue mobility, and thermodynamic stability) has been performed at Invitae for this missense variant, however the output from this modeling did not meet the statistical confidence thresholds required to predict the impact of this variant on ATF6 protein function. This variant has not been reported in the literature in individuals affected with ATF6-related conditions. This variant is not present in population databases (gnomAD no frequency). This sequence change replaces histidine, which is basic and polar, with tyrosine, which is neutral and polar, at codon 490 of the ATF6 protein (p.His490Tyr).